The following is an entry in ClinVar:

ClinVar aggregate classification (germline): Uncertain significance (1 of 4 stars; one submission).

Allele frequency attached by ClinVar (database versions not stated): gnomAD 0.00001; gnomAD exomes 0.00002.
gnomAD v4.1: 10 of 1,613,664 alleles (0.00062%); highest among the groups gnomAD compares: Admixed American, 0.01%; no homozygotes.

Submission:

Labcorp Genetics (formerly Invitae), Labcorp
Classification: Uncertain significance. Last evaluated: 2022-06-23. Review status: criteria provided, single submitter. Criteria: Invitae Variant Classification Sherloc (09022015). Collection method: clinical testing. Allele origin: germline.
Comment: This sequence change replaces histidine, which is basic and polar, with arginine, which is basic and polar, at codon 4893 of the PCLO protein (p.His4893Arg). This variant is present in population databases (rs758598898, gnomAD 0.01%). This variant has not been reported in the literature in individuals affected with PCLO-related conditions. Algorithms developed to predict the effect of missense changes on protein structure and function are either unavailable or do not agree on the potential impact of this missense change (SIFT: "Deleterious"; PolyPhen-2: "Not Available"; Align-GVGD: "Class C0"). In summary, the available evidence is currently insufficient to determine the role of this variant in disease. Therefore, it has been classified as a Variant of Uncertain Significance.

NM_033026.6(PCLO):c.14678A>G (p.His4893Arg)

Gene: PCLO (piccolo presynaptic cytomatrix protein; minus strand). Cytogenetic location: 7q21.11.
Variant type: single nucleotide variant.
Coding change: c.14678A>G on transcript NM_033026.6 (MANE Select); coding-DNA position 14678, A replaced by G.
Protein change: p.His4893Arg; replaces histidine 4893 with arginine.
Molecular consequence: missense variant.
Genome position (GRCh38, 1-based): chr7:82,822,608, T>C on the plus strand (A>G on the coding strand, the complement: PCLO is on the minus strand). VCF-style: chr7-82822608-T-C. GRCh37 (hg19) VCF-style: chr7-82451924-T-C.
Other names: c.14678A>G, p.His4893Arg (NM_014510.3); short protein forms H4893R.
Identifiers: ClinVar variation 1483599 (VCV001483599.3), dbSNP rs758598898, ClinGen allele CA4318745.